The following is an entry in ClinVar:

ClinVar aggregate classification (germline): Uncertain significance. Review status: criteria provided, multiple submitters, no conflicts (2 of 4 stars). 2 submissions from 2 submitters: Uncertain significance (2). Last evaluated 2025-05-14.

Conditions:
Hereditary cancer-predisposing syndrome. Also called: Hereditary Cancer Syndrome; Tumor predisposition; Neoplastic Syndromes, Hereditary; Hereditary neoplastic syndrome. Identifiers: Orphanet 140162, MedGen C0027672, MeSH D009386, MONDO:0015356.
Familial cancer of breast. Also called: BREAST CANCER, FAMILIAL; Hereditary breast cancer; hereditary breast carcinoma. Identifiers: Orphanet 227535, MedGen C0346153, MONDO:0016419, OMIM 114480. Disease mechanism: loss of function.

Allele frequency attached by ClinVar (database versions not stated): TOPMed below 0.00001.

Submissions (2):

Ambry Genetics
Classification: Uncertain significance for Hereditary cancer-predisposing syndrome. Last evaluated: 2025-05-14. Review status: criteria provided, single submitter. Criteria: Ambry Variant Classification Scheme 2023. Collection method: clinical testing. Allele origin: germline.
Comment: The p.S42C variant (also known as c.125C>G), located in coding exon 1 of the CHEK2 gene, results from a C to G substitution at nucleotide position 125. The serine at codon 42 is replaced by cysteine, an amino acid with dissimilar properties. This amino acid position is highly conserved in available vertebrate species. In addition, the in silico prediction for this alteration is inconclusive. Based on the available evidence, the clinical significance of this variant remains unclear.

Labcorp Genetics (formerly Invitae), Labcorp
Classification: Uncertain significance for Familial cancer of breast. Last evaluated: 2022-10-17. Review status: criteria provided, single submitter. Criteria: Invitae Variant Classification Sherloc (09022015). Collection method: clinical testing. Allele origin: germline.
Comment: In summary, the available evidence is currently insufficient to determine the role of this variant in disease. Therefore, it has been classified as a Variant of Uncertain Significance. Algorithms developed to predict the effect of missense changes on protein structure and function are either unavailable or do not agree on the potential impact of this missense change (SIFT: "Deleterious"; PolyPhen-2: "Probably Damaging"; Align-GVGD: "Class C0"). ClinVar contains an entry for this variant (Variation ID: 1014270). This variant has not been reported in the literature in individuals affected with CHEK2-related conditions. This variant is not present in population databases (gnomAD no frequency). This sequence change replaces serine, which is neutral and polar, with cysteine, which is neutral and slightly polar, at codon 42 of the CHEK2 protein (p.Ser42Cys).

NM_007194.4(CHEK2):c.125C>G (p.Ser42Cys)

Gene: CHEK2 (checkpoint kinase 2; minus strand). Cytogenetic location: 22q12.1.
Variant type: single nucleotide variant.
Coding change: c.125C>G on transcript NM_007194.4 (MANE Select); coding-DNA position 125, C replaced by G.
Protein change: p.Ser42Cys; replaces serine 42 with cysteine.
Molecular consequence: missense variant.
Genome position (GRCh38, 1-based): chr22:28,734,597, G>C on the plus strand (C>G on the coding strand, the complement: CHEK2 is on the minus strand). VCF-style: chr22-28734597-G-C. GRCh37 (hg19) VCF-style: chr22-29130585-G-C.
Other names: c.125C>G, p.Ser42Cys (NM_001005735.3, NM_001349956.3, NM_145862.3); c.-653C>G (NM_001257387.3); short protein forms S42C.
Identifiers: ClinVar variation 1014270 (VCV001014270.10), dbSNP rs1483975421, ClinGen allele CA411091279.